The following is an entry in ClinVar:

NM_005263.5(GFI1):c.357C>G (p.Phe119Leu)

Gene: GFI1 (growth factor independent 1 transcriptional repressor; minus strand). Cytogenetic location: 1p22.1.
Variant type: single nucleotide variant.
Coding change: c.357C>G on transcript NM_005263.5 (MANE Select); coding-DNA position 357, C replaced by G.
Protein change: p.Phe119Leu; replaces phenylalanine 119 with leucine.
Molecular consequence: missense variant.
Genome position (GRCh38, 1-based): chr1:92,481,030, G>C on the plus strand (C>G on the coding strand, the complement: GFI1 is on the minus strand). VCF-style: chr1-92481030-G-C. GRCh37 (hg19) VCF-style: chr1-92946587-G-C.
Other names: c.357C>G, p.Phe119Leu (NM_001127215.3, NM_001127216.3); short protein forms F119L.
Identifiers: ClinVar variation 4029454 (VCV004029454.1).
Genomic context (GRCh38, chr1:92,481,030, plus strand): 5'-GTAGCTCTGCACCAGGTGCCGCAGGTCAGAACCCGCCAGGCCGCTCCATGAGTACGGTTT[G>C]AAAGGCAGGGGGAAGGGCTGGGCTTCGTCCAGCGATGGGCACATTGACTTCTCCGAGGCT-3'
Protein context (NP_005254.2, residues 109-129): LDEAQPFPLP[Phe119Leu]KPYSWSGLAG

ClinVar aggregate classification (germline): Uncertain significance (1 of 4 stars; one submission).

Submission:

Ambry Genetics
Classification: Uncertain significance. Last evaluated: 2025-06-13. Review status: criteria provided, single submitter. Criteria: Ambry Variant Classification Scheme 2023. Collection method: clinical testing. Allele origin: germline.
Comment: The p.F119L variant (also known as c.357C>G), located in coding exon 3 of the GFI1 gene, results from a C to G substitution at nucleotide position 357. The phenylalanine at codon 119 is replaced by leucine, an amino acid with highly similar properties. This amino acid position is conserved. In addition, this alteration is predicted to be tolerated by in silico analysis. Based on the available evidence, the clinical significance of this variant remains unclear.